The following is an entry in ClinVar:

ClinVar aggregate classification (germline): Uncertain significance (1 of 4 stars; one submission).

Submission:

Labcorp Genetics (formerly Invitae), Labcorp
Classification: Uncertain significance. Last evaluated: 2022-03-01. Review status: criteria provided, single submitter. Criteria: Invitae Variant Classification Sherloc (09022015). Collection method: clinical testing. Allele origin: germline.
Comment: This variant has not been reported in the literature in individuals affected with RP9-related conditions. In summary, the available evidence is currently insufficient to determine the role of this variant in disease. Therefore, it has been classified as a Variant of Uncertain Significance. Algorithms developed to predict the effect of missense changes on protein structure and function are either unavailable or do not agree on the potential impact of this missense change (SIFT: "Tolerated"; PolyPhen-2: "Probably Damaging"; Align-GVGD: "Class C0"). This variant is not present in population databases (gnomAD no frequency). This sequence change replaces leucine, which is neutral and non-polar, with valine, which is neutral and non-polar, at codon 92 of the RP9 protein (p.Leu92Val).

NM_203288.2(RP9):c.274C>G (p.Leu92Val)

Gene: RP9 (RP9 pre-mRNA splicing factor; minus strand). Cytogenetic location: 7p14.3.
Variant type: single nucleotide variant.
Coding change: c.274C>G on transcript NM_203288.2 (MANE Select); coding-DNA position 274, C replaced by G.
Protein change: p.Leu92Val; replaces leucine 92 with valine.
Molecular consequence: missense variant.
Genome position (GRCh38, 1-based): chr7:33,099,346, G>C on the plus strand (C>G on the coding strand, the complement: RP9 is on the minus strand). VCF-style: chr7-33099346-G-C. GRCh37 (hg19) VCF-style: chr7-33138958-G-C.
Other names: short protein forms L92V.
Identifiers: ClinVar variation 2105032 (VCV002105032.4), dbSNP rs2534913956, ClinGen allele CA367183115.